The following is an entry in ClinVar:

NM_182914.3(SYNE2):c.14480G>C (p.Arg4827Pro)

Gene: SYNE2 (spectrin repeat containing nuclear envelope protein 2; plus strand). Cytogenetic location: 14q23.2.
Variant type: single nucleotide variant.
Coding change: c.14480G>C on transcript NM_182914.3 (MANE Select); coding-DNA position 14480, G replaced by C.
Protein change: p.Arg4827Pro; replaces arginine 4827 with proline.
Molecular consequence: missense variant.
Genome position (GRCh38, 1-based): chr14:64,132,404, G>C. VCF-style: chr14-64132404-G-C. GRCh37 (hg19) VCF-style: chr14-64599122-G-C.
Other names: c.14480G>C, p.Arg4827Pro (NM_015180.6); short protein forms R4827P.
Identifiers: ClinVar variation 4882986 (VCV004882986.2).

ClinVar aggregate classification (germline): Uncertain significance (1 of 4 stars; one submission).

Submission:

Dasa
Classification: Uncertain significance. Last evaluated: 2025-09-19. Review status: criteria provided, single submitter. Criteria: DASA Assertion Criteria. Collection method: clinical testing. Allele origin: germline.
Comment: NM_182914.3(SYNE2):c.14480G>C (p.Arg4827Pro) is a missense variant that results in the substitution of arginine with proline. This variant is absent from population databases. Computational prediction algorithms are consistent with a benign effect. The currently available literature and clinical evidence are not sufficient to establish a definitive association between this variant and the reported condition. Therefore, this variant is classified as a variant of uncertain significance.